The following is an entry in ClinVar:

NM_004104.5(FASN):c.532G>A (p.Gly178Arg)

Gene: FASN (fatty acid synthase; minus strand). Cytogenetic location: 17q25.3.
Variant type: single nucleotide variant.
Coding change: c.532G>A on transcript NM_004104.5 (MANE Select); coding-DNA position 532, G replaced by A.
Protein change: p.Gly178Arg; replaces glycine 178 with arginine.
Molecular consequence: missense variant.
Genome position (GRCh38, 1-based): chr17:82,093,342, C>T on the plus strand (G>A on the coding strand, the complement: FASN is on the minus strand). VCF-style: chr17-82093342-C-T. GRCh37 (hg19) VCF-style: chr17-80051218-C-T.
Other names: short protein forms G178R.
Identifiers: ClinVar variation 936502 (VCV000936502.9), dbSNP rs1341987400, ClinGen allele CA401563715.

ClinVar aggregate classification (germline): Uncertain significance (1 of 4 stars; one submission).

Conditions:
Epileptic encephalopathy. Identifiers: MedGen C0543888, HP:0200134.

Allele frequency attached by ClinVar (database versions not stated): gnomAD 0.00001; TOPMed 0.00001; gnomAD exomes 0.00002.
gnomAD v4.1: 18 of 1,602,982 alleles (0.0011%); highest among the groups gnomAD compares: Admixed American, 0.01%; no homozygotes.

Submission:

Labcorp Genetics (formerly Invitae), Labcorp
Classification: Uncertain significance for Epileptic encephalopathy. Last evaluated: 2019-09-08. Review status: criteria provided, single submitter. Criteria: Invitae Variant Classification Sherloc (09022015). Collection method: clinical testing. Allele origin: germline.
Comment: This variant has not been reported in the literature in individuals with FASN-related conditions. Algorithms developed to predict the effect of missense changes on protein structure and function are either unavailable or do not agree on the potential impact of this missense change (SIFT: "Deleterious"; PolyPhen-2: "Probably Damaging"; Align-GVGD: "Class C0"). In summary, the available evidence is currently insufficient to determine the role of this variant in disease. Therefore, it has been classified as a Variant of Uncertain Significance. This variant is not present in population databases (ExAC no frequency). This sequence change replaces glycine with arginine at codon 178 of the FASN protein (p.Gly178Arg). The glycine residue is highly conserved and there is a moderate physicochemical difference between glycine and arginine.